The following is an entry in ClinVar:

ClinVar aggregate classification (germline): Conflicting classifications of pathogenicity. Review status: criteria provided, conflicting classifications (1 of 4 stars). 2 submissions from 2 submitters: Likely pathogenic (1); Uncertain significance (1). Last evaluated 2026-03-27.

Conditions:
Intellectual disability. Also called: Intellectual functioning disability; intellectual disabilities; Intellectual developmental disorder. Identifiers: MedGen C3714756, MeSH D008607, MONDO:0001071, HP:0001249.

Allele frequency attached by ClinVar (database versions not stated): gnomAD exomes below 0.00001.
gnomAD v4.1: 1 of 1,604,600 alleles (0.000062%); highest among the groups gnomAD compares: Non-Finnish European, 0.000085%; no homozygotes.

Submissions (2):

GeneDx
Classification: Uncertain significance. Last evaluated: 2026-03-27. Review status: criteria provided, single submitter. Criteria: GeneDx Variant Classification Process June 2021. Collection method: clinical testing. Allele origin: germline.
Comment: In silico analysis supports that this missense variant has a deleterious effect on protein structure/function; Has not been previously published as pathogenic or benign to our knowledge; This variant is associated with the following publications: (PMID: 38014242)

Labcorp Genetics (formerly Invitae), Labcorp
Classification: Likely pathogenic for Intellectual disability. Last evaluated: 2023-12-31. Review status: criteria provided, single submitter. Criteria: Invitae Variant Classification Sherloc (09022015). Collection method: clinical testing. Allele origin: germline.
Comment: This sequence change replaces arginine, which is basic and polar, with glutamine, which is neutral and polar, at codon 293 of the GABRB2 protein (p.Arg293Gln). This variant is present in population databases (no rsID available, gnomAD 0.006%). This variant has not been reported in the literature in individuals affected with GABRB2-related conditions. ClinVar contains an entry for this variant (Variation ID: 2125918). Advanced modeling of protein sequence and biophysical properties (such as structural, functional, and spatial information, amino acid conservation, physicochemical variation, residue mobility, and thermodynamic stability) has been performed at Invitae for this missense variant, however the output from this modeling did not meet the statistical confidence thresholds required to predict the impact of this variant on GABRB2 protein function. This variant disrupts the p.Arg293 amino acid residue in GABRB2. Other variant(s) that disrupt this residue have been determined to be pathogenic (PMID: 29100083). This suggests that this residue is clinically significant, and that variants that disrupt this residue are likely to be disease-causing. In summary, the currently available evidence indicates that the variant is pathogenic, but additional data are needed to prove that conclusively. Therefore, this variant has been classified as Likely Pathogenic.

Literature cited by the submitters: PubMed 29100083 (cited by Labcorp Genetics (formerly Invitae), Labcorp).

NM_001371727.1(GABRB2):c.878G>A (p.Arg293Gln)

Gene: GABRB2 (gamma-aminobutyric acid type A receptor subunit beta2; minus strand). Cytogenetic location: 5q34.
Variant type: single nucleotide variant.
Coding change: c.878G>A on transcript NM_001371727.1 (MANE Select); coding-DNA position 878, G replaced by A.
Protein change: p.Arg293Gln; replaces arginine 293 with glutamine.
Molecular consequence: missense variant.
Genome position (GRCh38, 1-based): chr5:161,331,082, C>T on the plus strand (G>A on the coding strand, the complement: GABRB2 is on the minus strand). VCF-style: chr5-161331082-C-T. GRCh37 (hg19) VCF-style: chr5-160758089-C-T.
Other names: c.878G>A, p.Arg293Gln (NM_000813.3, NM_021911.3); c.878G>A (NM_021911.2); short protein forms R293Q.
Identifiers: ClinVar variation 2125918 (VCV002125918.5), dbSNP rs1210815997, ClinGen allele CA362175430.
Genomic context (GRCh38, chr5:161,331,082, plus strand): 5'-AAGCACCCCATCAGGTACATGTCAATGGCCTTCACATAGGGGATTTTAGGGAGAGTTTCC[C>T]GGAGGTGGGTGTTGATTGTGGTCATTGTGAGGACAGTTGTGATTCCTGAAAAAAAATGGG-3'
Protein context (NP_001358656.1, residues 283-303): LTMTTINTHL[Arg293Gln]ETLPKIPYVK